The following is an entry in ClinVar:

NM_022916.6(VPS33A):c.1192G>A (p.Ala398Thr)

Gene: VPS33A (VPS33A core subunit of CORVET and HOPS complexes; minus strand). Cytogenetic location: 12q24.31.
Variant type: single nucleotide variant.
Coding change: c.1192G>A on transcript NM_022916.6 (MANE Select); coding-DNA position 1192, G replaced by A.
Protein change: p.Ala398Thr; replaces alanine 398 with threonine.
Molecular consequence: missense variant.
Genome position (GRCh38, 1-based): chr12:122,238,697, C>T on the plus strand (G>A on the coding strand, the complement: VPS33A is on the minus strand). VCF-style: chr12-122238697-C-T. GRCh37 (hg19) VCF-style: chr12-122723244-C-T.
Other names: c.1159G>A, p.Ala387Thr (NM_001351018.2); c.1144G>A, p.Ala382Thr (NM_001351019.2); c.871G>A, p.Ala291Thr (NM_001351020.2); c.1192G>A (NM_022916.4); short protein forms A291T, A382T, A398T, A387T.
Identifiers: ClinVar variation 1370704 (VCV001370704.5), dbSNP rs186215132, ClinGen allele CA6844378.

ClinVar aggregate classification (germline): Uncertain significance. Review status: criteria provided, multiple submitters, no conflicts (2 of 4 stars). 2 submissions from 2 submitters: Uncertain significance (2). Last evaluated 2025-02-18.

Allele frequency attached by ClinVar (database versions not stated): gnomAD exomes 0.00002 and 0.00004; gnomAD 0.00003 and 0.00004; ExAC 0.00005; TOPMed 0.00006; 1000 Genomes Project 0.00020; 1000 Genomes Project 30x 0.00031.
gnomAD v4.1: 48 of 1,612,088 alleles (0.003%); highest among the groups gnomAD compares: East Asian, 0.013%; no homozygotes.

Submissions (2):

Ambry Genetics
Classification: Uncertain significance. Last evaluated: 2025-02-18. Review status: criteria provided, single submitter. Criteria: Ambry Variant Classification Scheme 2023. Collection method: clinical testing. Allele origin: germline.

Labcorp Genetics (formerly Invitae), Labcorp
Classification: Uncertain significance. Last evaluated: 2023-07-10. Review status: criteria provided, single submitter. Criteria: Invitae Variant Classification Sherloc (09022015). Collection method: clinical testing. Allele origin: germline.
Comment: This sequence change replaces alanine, which is neutral and non-polar, with threonine, which is neutral and polar, at codon 398 of the VPS33A protein (p.Ala398Thr). This variant is present in population databases (rs186215132, gnomAD 0.009%). This variant has not been reported in the literature in individuals affected with VPS33A-related conditions. ClinVar contains an entry for this variant (Variation ID: 1370704). Advanced modeling of protein sequence and biophysical properties (such as structural, functional, and spatial information, amino acid conservation, physicochemical variation, residue mobility, and thermodynamic stability) performed at Invitae indicates that this missense variant is not expected to disrupt VPS33A protein function. In summary, the available evidence is currently insufficient to determine the role of this variant in disease. Therefore, it has been classified as a Variant of Uncertain Significance.